The following is an entry in ClinVar:

ClinVar aggregate classification (germline): Likely benign. Review status: criteria provided, multiple submitters, no conflicts (2 of 4 stars). 4 submissions from 4 submitters: Likely benign (4). Last evaluated 2026-05-14.

Conditions:
Inborn genetic diseases. Identifiers: MedGen C0950123, MeSH D030342.
MECOM-related disorder. Also called: MECOM-related condition.

Allele frequency attached by ClinVar (database versions not stated): TOPMed below 0.00001; gnomAD 0.00001; ExAC 0.00002; 1000 Genomes Project 30x 0.00016; 1000 Genomes Project 0.00020.
gnomAD v4.1: 28 of 1,610,766 alleles (0.0017%); highest among the groups gnomAD compares: South Asian, 0.028%; no homozygotes.

Submissions (4):

Ambry Genetics
Classification: Likely benign for Inborn genetic diseases. Last evaluated: 2026-05-14. Review status: criteria provided, single submitter. Criteria: Ambry Variant Classification Scheme 2023. Collection method: clinical testing. Allele origin: germline.

PreventionGenetics, part of Exact Sciences
Classification: Likely benign for MECOM-related condition. Last evaluated: 2025-06-01. Review status: criteria provided, single submitter. Criteria: ACMG Guidelines, 2015. Collection method: clinical testing. Allele origin: germline.
Comment: This variant is classified as likely benign based on ACMG/AMP sequence variant interpretation guidelines (Richards et al. 2015 PMID: 25741868, with internal and published modifications).

Blueprint Genetics
Classification: Likely benign. Last evaluated: 2023-08-01. Review status: criteria provided, single submitter. Criteria: ACMG Guidelines, 2015. Collection method: clinical testing. Allele origin: germline.

Labcorp Genetics (formerly Invitae), Labcorp
Classification: Likely benign. Last evaluated: 2022-05-05. Review status: criteria provided, single submitter. Criteria: Invitae Variant Classification Sherloc (09022015). Collection method: clinical testing. Allele origin: germline.

NM_004991.4(MECOM):c.3513G>A (p.Glu1171=)

Gene: MECOM (MDS1 and EVI1 complex locus; minus strand). Cytogenetic location: 3q26.2.
Variant type: single nucleotide variant.
Coding change: c.3513G>A on transcript NM_004991.4 (MANE Select); coding-DNA position 3513, G replaced by A.
Protein change: p.Glu1171=; no amino-acid change (glutamic acid 1171 retained).
Molecular consequence: synonymous variant.
Genome position (GRCh38, 1-based): chr3:169,089,072, C>T on the plus strand (G>A on the coding strand, the complement: MECOM is on the minus strand). VCF-style: chr3-169089072-C-T. GRCh37 (hg19) VCF-style: chr3-168806860-C-T.
Other names: c.3144G>A, p.Glu1048= (NM_001105077.4); c.2949G>A, p.Glu983= (NM_001105078.4, NM_001205194.2, NM_001366469.2 and 1 more transcripts); c.2925G>A, p.Glu975= (NM_001163999.2, NM_001366470.2); c.2922G>A, p.Glu974= (NM_001164000.2, NM_001366471.2, NM_001366472.2); c.3486G>A, p.Glu1162= (NM_001366466.2); c.2952G>A, p.Glu984= (NM_001366467.2, NM_001366468.2); c.2514G>A, p.Glu838= (NM_001366473.2); c.1950G>A, p.Glu650= (NM_001366474.2); and 2 more.
Identifiers: ClinVar variation 2036449 (VCV002036449.7), dbSNP rs555517908, ClinGen allele CA2695880.